The following is an entry in ClinVar:

ClinVar aggregate classification (germline): Uncertain significance. Review status: criteria provided, multiple submitters, no conflicts (2 of 4 stars). 2 submissions from 2 submitters: Uncertain significance (2). Last evaluated 2022-07-12.

Conditions:
Intellectual disability, autosomal recessive 53 (NEDHSCA). Also called: NEURODEVELOPMENTAL DISORDER WITH OR WITHOUT HYPOTONIA, SEIZURES, AND CEREBELLAR ATROPHY; GLYCOSYLPHOSPHATIDYLINOSITOL BIOSYNTHESIS DEFECT 13; Mental retardation, autosomal recessive 53. Identifiers: Orphanet 488635, MedGen C4310794, MONDO:0014832, OMIM 616917.

Allele frequency attached by ClinVar (database versions not stated): gnomAD exomes 0.00002 and 0.00003; TOPMed 0.00002; ExAC 0.00003; gnomAD 0.00003.
gnomAD v4.1: 46 of 1,610,096 alleles (0.0029%); highest among the groups gnomAD compares: Non-Finnish European, 0.0037%; no homozygotes.

Submissions (2):

Labcorp Genetics (formerly Invitae), Labcorp
Classification: Uncertain significance for Intellectual disability, autosomal recessive 53. Last evaluated: 2022-07-12. Review status: criteria provided, single submitter. Criteria: Invitae Variant Classification Sherloc (09022015). Collection method: clinical testing. Allele origin: germline.
Comment: This sequence change replaces aspartic acid, which is acidic and polar, with histidine, which is basic and polar, at codon 187 of the PIGG protein (p.Asp187His). This variant is present in population databases (rs752489514, gnomAD 0.006%). This variant has not been reported in the literature in individuals affected with PIGG-related conditions. ClinVar contains an entry for this variant (Variation ID: 936128). Algorithms developed to predict the effect of missense changes on protein structure and function (SIFT, PolyPhen-2, Align-GVGD) all suggest that this variant is likely to be disruptive. In summary, the available evidence is currently insufficient to determine the role of this variant in disease. Therefore, it has been classified as a Variant of Uncertain Significance.

Blueprint Genetics
Classification: Uncertain significance. Last evaluated: 2022-02-16. Review status: criteria provided, single submitter. Criteria: ACMG Guidelines, 2015. Collection method: clinical testing. Allele origin: germline.

NM_001127178.3(PIGG):c.559G>C (p.Asp187His)

Gene: PIGG (phosphatidylinositol glycan anchor biosynthesis class G (EMM blood group); plus strand). Cytogenetic location: 4p16.3.
Variant type: single nucleotide variant.
Coding change: c.559G>C on transcript NM_001127178.3 (MANE Select); coding-DNA position 559, G replaced by C.
Protein change: p.Asp187His; replaces aspartic acid 187 with histidine.
Molecular consequence: missense variant. On other transcripts: 5 prime UTR variant (4), non-coding transcript variant (10), intron variant (1).
Genome position (GRCh38, 1-based): chr4:505,916, G>C. VCF-style: chr4-505916-G-C. GRCh37 (hg19) VCF-style: chr4-499705-G-C.
Other names: c.292G>C, p.Asp98His (NM_001289051.2, NM_001289053.2, NM_001289057.2 and 2 more transcripts); c.193G>C, p.Asp65His (NM_001289055.2); c.-329G>C (NM_001345988.2); c.559G>C, p.Asp187His (NM_001345989.2, NM_017733.5); c.-1067G>C (NM_001345990.2); c.-929G>C (NM_001345991.2); c.-654G>C (NM_001345994.2); c.361-2913G>C (NM_001289052.2); short protein forms D187H, D65H, D98H.
Identifiers: ClinVar variation 936128 (VCV000936128.6), dbSNP rs752489514, ClinGen allele CA2793015.
Genomic context (GRCh38, chr4:505,916, plus strand): 5'-GTTAAATTATTCCCAAAGCATTTTGTGGAATATGATGGAACAACCTCATTTTTCGTGTCA[G>C]ATTACACAGAGGTCAGTTTTTAAAATAAGAAAATATATCATACTAGAATATCATACTAGA-3'
Protein context (NP_001120650.1, residues 177-197): YDGTTSFFVS[Asp187His]YTEVDNNVTR